The following is an entry in ClinVar:

NM_007294.4(BRCA1):c.212+15A>G

Gene: BRCA1 (BRCA1 DNA repair associated; minus strand). Cytogenetic location: 17q21.31.
Variant type: single nucleotide variant.
Coding change: c.212+15A>G on transcript NM_007294.4 (MANE Select); 15 bases into the intron after coding-DNA position 212, A replaced by G.
Molecular consequence: intron variant.
Genome position (GRCh38, 1-based): chr17:43,106,441, T>C on the plus strand (A>G on the coding strand, the complement: BRCA1 is on the minus strand). VCF-style: chr17-43106441-T-C. GRCh37 (hg19) VCF-style: chr17-41258458-T-C.
Other names: c.135-1485A>G (NM_001408409.1, NM_001407663.1, NM_001407658.1 and 21 more transcripts); c.2+37A>G (NM_001407958.1, NM_001407955.1, NM_001408493.1 and 58 more transcripts); c.212+15A>G (NM_001407646.1, NM_001408445.1, NM_001408432.1 and 167 more transcripts); c.-169-1485A>G (NM_001407965.1, NM_001407959.1, NM_001407962.1 and 4 more transcripts); c.71+15A>G (NM_001407930.1, NM_001407843.1, NM_001408456.1 and 99 more transcripts); c.-218-11581A>G (NM_001407967.1, NM_001407966.1); c.81-1485A>G (NM_001408451.1).
Identifiers: ClinVar variation 136081 (VCV000136081.16), dbSNP rs587780797, ClinGen allele CA001403.

ClinVar aggregate classification (germline): Likely benign. Review status: criteria provided, multiple submitters, no conflicts (2 of 4 stars). 4 submissions from 4 submitters: Likely benign (4). Last evaluated 2025-05-06.

Conditions:
Hereditary cancer-predisposing syndrome. Also called: Tumor predisposition; Hereditary neoplastic syndrome; Neoplastic Syndromes, Hereditary; Hereditary Cancer Syndrome. Identifiers: Orphanet 140162, MedGen C0027672, MeSH D009386, MONDO:0015356.
Hereditary breast ovarian cancer syndrome. Also called: Hereditary breast and ovarian cancer; Breast and ovarian cancer; Hereditary breast and ovarian cancer syndrome (HBOC); Hereditary breast and/or ovarian cancer syndrome; Hereditary breast and ovarian cancer syndrome; BRCA1- and BRCA2-Associated Hereditary Breast and Ovarian Cancer. Identifiers: Orphanet 145, MedGen C0677776, MeSH D061325, MONDO:0003582. Disease mechanism: loss of function.

Allele frequency attached by ClinVar (database versions not stated): gnomAD exomes below 0.00001.
gnomAD v4.1: 1 of 1,530,706 alleles (0.000065%); highest among the groups gnomAD compares: Non-Finnish European, 0.00009%; no homozygotes.

Submissions (4):

Labcorp Genetics (formerly Invitae), Labcorp
Classification: Likely benign for Hereditary breast ovarian cancer syndrome. Last evaluated: 2025-05-06. Review status: criteria provided, single submitter. Criteria: Invitae Variant Classification Sherloc (09022015). Collection method: clinical testing. Allele origin: germline.

Women's Health and Genetics/Laboratory Corporation of America, LabCorp
Classification: Likely benign. Last evaluated: 2024-12-17. Review status: criteria provided, single submitter. Criteria: LabCorp Variant Classification Summary - May 2015. Collection method: clinical testing. Allele origin: germline.
Comment: Variant summary: BRCA1 c.212+15A>G alters a non-conserved nucleotide located at a position not widely known to affect splicing. Consensus agreement among computation tools predict no significant impact on normal splicing (TrAP). However, these predictions have yet to be confirmed by functional studies. The variant allele was found at a frequency of 4e-06 in 247454 control chromosomes. The available data on variant occurrences in the general population are insufficient to allow any conclusion about variant significance. c.212+15A>G has been reported in the literature in individuals affected with Hereditary Breast And Ovarian Cancer Syndrome. These report(s) do not provide unequivocal conclusions about association of the variant with Hereditary Breast And Ovarian Cancer Syndrome. To our knowledge, no experimental evidence demonstrating an impact on protein function has been reported. The following publication have been ascertained in the context of this evaluation (PMID: 24010542). ClinVar contains an entry for this variant (Variation ID: 136081). Based on the evidence outlined above, the variant was classified as likely benign.

ARUP Laboratories, Molecular Genetics and Genomics, ARUP Laboratories
Classification: Likely benign. Last evaluated: 2023-10-18. Review status: criteria provided, single submitter. Criteria: ARUP Molecular Germline Variant Investigation Process 2024. Collection method: clinical testing. Allele origin: germline.

Color Diagnostics, LLC DBA Color Health
Classification: Likely benign for Hereditary cancer-predisposing syndrome. Last evaluated: 2016-12-19. Review status: criteria provided, single submitter. Criteria: ACMG Guidelines, 2015. Collection method: clinical testing. Allele origin: germline.

Literature cited by the submitters: PubMed 24010542 (cited by Women's Health and Genetics/Laboratory Corporation of America, LabCorp).